The following is an entry in ClinVar:

NM_005726.6(TSFM):c.369_370del (p.Cys123_Glu124delinsTer)

Gene: TSFM (Ts translation elongation factor, mitochondrial; plus strand). Cytogenetic location: 12q14.1.
Variant type: Microsatellite.
Coding change: c.369_370del on transcript NM_005726.6 (MANE Select); coding-DNA positions 369 to 370, 2 bases deleted (TG; older notation c.369_370delTG).
Protein change: p.Cys123_Glu124delinsTer.
Molecular consequence: nonsense.
Genome position (GRCh38, 1-based): chr12:57,787,048-57,787,049, TG deleted; deleting any 2 consecutive bases within chr12:57,787,046-57,787,049 gives the same sequence; the c. name uses the placement nearest the transcript's 3' end. VCF-style (leftmost placement, unchanged base first): chr12-57787045-CTG-C. GRCh37 (hg19) VCF-style: chr12-58180828-CTG-C.
Other names: c.369_370del, p.Cys123_Glu124delinsTer (NM_001172695.2, NM_001172696.2, NM_001172697.2).
Identifiers: ClinVar variation 4808120 (VCV004808120.1).

ClinVar aggregate classification (germline): Pathogenic (1 of 4 stars; one submission).

Submission:

Labcorp Genetics (formerly Invitae), Labcorp
Classification: Pathogenic. Last evaluated: 2025-12-13. Review status: criteria provided, single submitter. Criteria: Invitae Variant Classification Sherloc (09022015). Collection method: clinical testing. Allele origin: germline.
Comment: This sequence change creates a premature translational stop signal (p.Cys123*) in the TSFM gene. It is expected to result in an absent or disrupted protein product. Loss-of-function variants in TSFM are known to be pathogenic (PMID: 17033963, 20435138, 25037205, 27677415). This variant is not present in population databases (gnomAD no frequency). This variant has not been reported in the literature in individuals affected with TSFM-related conditions. For these reasons, this variant has been classified as Pathogenic.

Literature cited by the submitters: PubMed 17033963; PubMed 20435138; PubMed 25037205; PubMed 27677415.